The following is an entry in ClinVar:

ClinVar aggregate classification (germline): Uncertain significance. Review status: criteria provided, multiple submitters, no conflicts (2 of 4 stars). 2 submissions from 2 submitters: Uncertain significance (2). Last evaluated 2025-10-24.

Conditions:
Inborn genetic diseases. Identifiers: MedGen C0950123, MeSH D030342.

Allele frequency attached by ClinVar (database versions not stated): TOPMed below 0.00001; gnomAD 0.00001; ExAC 0.00004; gnomAD exomes 0.00004.
gnomAD v4.1: 50 of 1,596,098 alleles (0.0031%); highest among the groups gnomAD compares: South Asian, 0.057%; 1 homozygote.

Submissions (2):

Ambry Genetics
Classification: Uncertain significance for Inborn genetic diseases. Last evaluated: 2025-10-24. Review status: criteria provided, single submitter. Criteria: Ambry Variant Classification Scheme 2023. Collection method: clinical testing. Allele origin: germline.

Labcorp Genetics (formerly Invitae), Labcorp
Classification: Uncertain significance. Last evaluated: 2022-11-01. Review status: criteria provided, single submitter. Criteria: Invitae Variant Classification Sherloc (09022015). Collection method: clinical testing. Allele origin: germline.
Comment: In summary, the available evidence is currently insufficient to determine the role of this variant in disease. Therefore, it has been classified as a Variant of Uncertain Significance. Algorithms developed to predict the effect of missense changes on protein structure and function are either unavailable or do not agree on the potential impact of this missense change (SIFT: "Not Available"; PolyPhen-2: "Probably Damaging"; Align-GVGD: "Not Available"). This variant has not been reported in the literature in individuals affected with ADAMTS17-related conditions. This variant is present in population databases (rs778140479, gnomAD 0.03%). This sequence change replaces glutamic acid, which is acidic and polar, with lysine, which is basic and polar, at codon 503 of the ADAMTS17 protein (p.Glu503Lys).

NM_139057.4(ADAMTS17):c.1507G>A (p.Glu503Lys)

Gene: ADAMTS17 (ADAM metallopeptidase with thrombospondin type 1 motif 17; minus strand). Cytogenetic location: 15q26.3.
Variant type: single nucleotide variant.
Coding change: c.1507G>A on transcript NM_139057.4 (MANE Select); coding-DNA position 1507, G replaced by A.
Protein change: p.Glu503Lys; replaces glutamic acid 503 with lysine.
Molecular consequence: missense variant.
Genome position (GRCh38, 1-based): chr15:100,133,282, C>T on the plus strand (G>A on the coding strand, the complement: ADAMTS17 is on the minus strand). VCF-style: chr15-100133282-C-T. GRCh37 (hg19) VCF-style: chr15-100673487-C-T.
Other names: c.1507G>A (NM_139057.2); short protein forms E503K.
Identifiers: ClinVar variation 2959138 (VCV002959138.4), dbSNP rs778140479, ClinGen allele CA7758213.
Genomic context (GRCh38, chr15:100,133,282, plus strand): 5'-CCCCACACTCGGTGCCATCCAGGGGAGGGTCCAGCTTGGTCTTGCAGGATGTGTCTCCTT[C>T]TACCAGGCACCACAGTCCAGCACACATTAGATGCTGCAGGACAAGGGAAGGAACCATAAT-3'
Protein context (NP_620688.2, residues 493-513): LMCAGLWCLV[Glu503Lys]GDTSCKTKLD